The following is an entry in ClinVar:

NM_000179.3(MSH6):c.235T>C (p.Ser79Pro)

Gene: MSH6 (mutS homolog 6; plus strand). Cytogenetic location: 2p16.3.
Variant type: single nucleotide variant.
Coding change: c.235T>C on transcript NM_000179.3 (MANE Select); coding-DNA position 235, T replaced by C.
Protein change: p.Ser79Pro; replaces serine 79 with proline.
Molecular consequence: missense variant. On other transcripts: 5 prime UTR variant (1).
Genome position (GRCh38, 1-based): chr2:47,783,468, T>C. VCF-style: chr2-47783468-T-C. GRCh37 (hg19) VCF-style: chr2-48010607-T-C.
Other names: c.235T>C, p.Ser79Pro (NM_001281492.2); c.-502T>C (NM_001281493.2); short protein forms S79P.
Identifiers: ClinVar variation 233271 (VCV000233271.18), dbSNP rs876660300, ClinGen allele CA10578029.
Genomic context (GRCh38, chr2:47,783,468, plus strand): 5'-CCCTTGGCGCGCTCCGCGTCACCGCCCAAGGCGAAGAACCTCAACGGAGGGCTGCGGAGA[T>C]CGGTAGCGCCTGCTGCCCCCACCAGGTAGCGGGGTGGGGGTGGGGTCGAAGGCGGGGGCA-3'
Protein context (NP_000170.1, residues 69-89): AKNLNGGLRR[Ser79Pro]VAPAAPTSCD

ClinVar aggregate classification (germline): Uncertain significance. Review status: criteria provided, multiple submitters, no conflicts (2 of 4 stars). 4 submissions from 4 submitters: Uncertain significance (4). Last evaluated 2024-09-14.

Conditions:
Hereditary nonpolyposis colorectal neoplasms. Identifiers: MedGen C0009405, MeSH D003123.
Hereditary cancer-predisposing syndrome. Also called: Neoplastic Syndromes, Hereditary; Tumor predisposition; Hereditary Cancer Syndrome; Hereditary neoplastic syndrome. Identifiers: Orphanet 140162, MedGen C0027672, MeSH D009386, MONDO:0015356.

Submissions (4):

Labcorp Genetics (formerly Invitae), Labcorp
Classification: Uncertain significance for Hereditary nonpolyposis colorectal neoplasms. Last evaluated: 2024-09-14. Review status: criteria provided, single submitter. Criteria: Invitae Variant Classification Sherloc (09022015). Collection method: clinical testing. Allele origin: germline.
Comment: This sequence change replaces serine, which is neutral and polar, with proline, which is neutral and non-polar, at codon 79 of the MSH6 protein (p.Ser79Pro). This variant is not present in population databases (gnomAD no frequency). This variant has not been reported in the literature in individuals affected with MSH6-related conditions. ClinVar contains an entry for this variant (Variation ID: 233271). Invitae Evidence Modeling of protein sequence and biophysical properties (such as structural, functional, and spatial information, amino acid conservation, physicochemical variation, residue mobility, and thermodynamic stability) indicates that this missense variant is not expected to disrupt MSH6 protein function with a negative predictive value of 95%. In summary, the available evidence is currently insufficient to determine the role of this variant in disease. Therefore, it has been classified as a Variant of Uncertain Significance.

Ambry Genetics
Classification: Uncertain significance for Hereditary cancer-predisposing syndrome. Last evaluated: 2022-04-12. Review status: criteria provided, single submitter. Criteria: Ambry Variant Classification Scheme 2023. Collection method: clinical testing. Allele origin: germline.
Comment: The p.S79P variant (also known as c.235T>C), located in coding exon 1 of the MSH6 gene, results from a T to C substitution at nucleotide position 235. The serine at codon 79 is replaced by proline, an amino acid with similar properties. This amino acid position is not well conserved in available vertebrate species, and proline is the reference amino acid in other vertebrate species. In addition, this alteration is predicted to be tolerated by in silico analysis. Since supporting evidence is limited at this time, the clinical significance of this alteration remains unclear.

Institute for Clinical Genetics, University Hospital TU Dresden, University Hospital TU Dresden
Classification: Uncertain significance. Last evaluated: 2021-11-03. Review status: criteria provided, single submitter. Criteria: ACMG Guidelines, 2015. Collection method: clinical testing. Allele origin: germline.

Color Diagnostics, LLC DBA Color Health
Classification: Uncertain significance for Hereditary cancer-predisposing syndrome. Last evaluated: 2019-01-17. Review status: criteria provided, single submitter. Criteria: ACMG Guidelines, 2015. Collection method: clinical testing. Allele origin: germline.